The following is an entry in ClinVar:

NM_000138.5(FBN1):c.449G>A (p.Cys150Tyr)

Gene: FBN1 (fibrillin 1; minus strand). Cytogenetic location: 15q21.1.
Variant type: single nucleotide variant.
Coding change: c.449G>A on transcript NM_000138.5 (MANE Select); coding-DNA position 449, G replaced by A.
Protein change: p.Cys150Tyr; replaces cysteine 150 with tyrosine.
Molecular consequence: missense variant.
Genome position (GRCh38, 1-based): chr15:48,596,372, C>T on the plus strand (G>A on the coding strand, the complement: FBN1 is on the minus strand). VCF-style: chr15-48596372-C-T. GRCh37 (hg19) VCF-style: chr15-48888569-C-T.
Other names: short protein forms C150Y.
Identifiers: ClinVar variation 1525356 (VCV001525356.7), dbSNP rs2140711857, ClinGen allele CA392446405.

ClinVar aggregate classification (germline): Pathogenic/Likely pathogenic. Review status: criteria provided, multiple submitters, no conflicts (2 of 4 stars). 2 submissions from 2 submitters: Pathogenic (1); Likely pathogenic (1). Last evaluated 2023-07-10.

Conditions:
FBN1-related disorder. Also called: FBN1-related disorders.
Marfan syndrome (MFS). Also called: MARFAN SYNDROME, TYPE I; Marfan syndrome type 1; Marfan's syndrome; Marfan syndrome, classic; FBN1-Related Marfan Syndrome. Identifiers: Orphanet 284963, Orphanet 558, MedGen C0024796, MONDO:0007947, OMIM 154700.
Familial thoracic aortic aneurysm and aortic dissection (TAAD). Also called: Thoracic aortic aneurysms and dissections. Identifiers: Orphanet 91387, MedGen C4707243, MONDO:0019625.

Submissions (2):

Labcorp Genetics (formerly Invitae), Labcorp
Classification: Pathogenic for Marfan syndrome; Familial thoracic aortic aneurysm and aortic dissection. Last evaluated: 2023-07-10. Review status: criteria provided, single submitter. Criteria: Invitae Variant Classification Sherloc (09022015). Collection method: clinical testing. Allele origin: germline.
Comment: This sequence change replaces cysteine, which is neutral and slightly polar, with tyrosine, which is neutral and polar, at codon 150 of the FBN1 protein (p.Cys150Tyr). This variant is not present in population databases (gnomAD no frequency). For these reasons, this variant has been classified as Pathogenic. This missense change has been observed in individual(s) with clinical features of Marfan syndrome and/or FBN1-related conditions (PMID: 34550612, 34818515; Invitae). In at least one individual the variant was observed to be de novo. ClinVar contains an entry for this variant (Variation ID: 1525356). Advanced modeling of protein sequence and biophysical properties (such as structural, functional, and spatial information, amino acid conservation, physicochemical variation, residue mobility, and thermodynamic stability) performed at Invitae indicates that this missense variant is expected to disrupt FBN1 protein function. This variant affects a cysteine residue in the EGF-like, TGFBP or hybrid motif domains of FBN1. Cysteine residues are believed to be involved in intramolecular disulfide bridges and have been shown to be important for FBN1 protein structure (PMID: 16905551, 19349279). In addition, missense substitutions affecting cysteine residues within these domains are significantly overrepresented among patients with Marfan syndrome (PMID: 16571647, 17701892).

Blueprint Genetics
Classification: Likely pathogenic for FBN1-related disorders. Last evaluated: 2022-04-11. Review status: criteria provided, single submitter. Criteria: ACMG Guidelines, 2015. Collection method: clinical testing. Allele origin: germline. Affected: yes. Observed: 1 variant allele.

Literature cited by the submitters: PubMed 34550612 (cited by Labcorp Genetics (formerly Invitae), Labcorp); PubMed 34818515 (cited by Labcorp Genetics (formerly Invitae), Labcorp); PubMed 16905551 (cited by Labcorp Genetics (formerly Invitae), Labcorp); PubMed 19349279 (cited by Labcorp Genetics (formerly Invitae), Labcorp); PubMed 16571647 (cited by Labcorp Genetics (formerly Invitae), Labcorp); PubMed 17701892 (cited by Labcorp Genetics (formerly Invitae), Labcorp).